The following is an entry in ClinVar:

NM_000487.6(ARSA):c.866T>C (p.Met289Thr)

Gene: ARSA (arylsulfatase A; minus strand). Cytogenetic location: 22q13.33.
Variant type: single nucleotide variant.
Coding change: c.866T>C on transcript NM_000487.6 (MANE Select); coding-DNA position 866, T replaced by C.
Protein change: p.Met289Thr; replaces methionine 289 with threonine.
Molecular consequence: missense variant.
Genome position (GRCh38, 1-based): chr22:50,626,267, A>G on the plus strand (T>C on the coding strand, the complement: ARSA is on the minus strand). VCF-style: chr22-50626267-A-G. GRCh37 (hg19) VCF-style: chr22-51064695-A-G.
Other names: c.866T>C, p.Met289Thr (NM_001085425.3, NM_001085426.3, NM_001085427.3); c.608T>C, p.Met203Thr (NM_001085428.3, NM_001362782.2); short protein forms M203T, M289T.
Identifiers: ClinVar variation 4814065 (VCV004814065.1), dbSNP rs765276524.

ClinVar aggregate classification (germline): Uncertain significance (1 of 4 stars; one submission).

Conditions:
Metachromatic leukodystrophy (MLD). Also called: Cerebral sclerosis diffuse metachromatic form; Arylsulfatase A Deficiency; ARSA DEFICIENCY; CEREBROSIDE SULFATASE DEFICIENCY; METACHROMATIC LEUKOENCEPHALOPATHY; SULFATIDE LIPIDOSIS. Identifiers: Orphanet 512, MedGen C0023522, MONDO:0018868, OMIM 250100.

Allele frequency attached by ClinVar (database versions not stated): TOPMed below 0.00001; ExAC 0.00001; gnomAD 0.00001.

Submission:

OLLIN Analises Genomicas, OLLIN
Classification: Uncertain significance for Metachromatic leukodystrophy. Last evaluated: 2026-02-13. Review status: criteria provided, single submitter. Criteria: ACMG Guidelines 2015 PMID 25741868. Collection method: clinical testing. Allele origin: germline. Observed: 1 variant allele.
Comment: PS3_P, PM1, PM2_P